The following is an entry in ClinVar:

NM_014003.4(DHX38):c.2070G>C (p.Glu690Asp)

Gene: DHX38 (DEAH-box helicase 38; plus strand). Cytogenetic location: 16q22.2.
Variant type: single nucleotide variant.
Coding change: c.2070G>C on transcript NM_014003.4 (MANE Select); coding-DNA position 2070, G replaced by C.
Protein change: p.Glu690Asp; replaces glutamic acid 690 with aspartic acid.
Molecular consequence: missense variant.
Genome position (GRCh38, 1-based): chr16:72,104,545, G>C. VCF-style: chr16-72104545-G-C. GRCh37 (hg19) VCF-style: chr16-72138444-G-C.
Other names: short protein forms E690D.
Identifiers: ClinVar variation 1491436 (VCV001491436.8), dbSNP rs2144157966, ClinGen allele CA396710664.

ClinVar aggregate classification (germline): Uncertain significance (1 of 4 stars; one submission).

Submission:

Labcorp Genetics (formerly Invitae), Labcorp
Classification: Uncertain significance. Last evaluated: 2025-04-16. Review status: criteria provided, single submitter. Criteria: Invitae Variant Classification Sherloc (09022015). Collection method: clinical testing. Allele origin: germline.
Comment: This sequence change replaces glutamic acid, which is acidic and polar, with aspartic acid, which is acidic and polar, at codon 690 of the DHX38 protein (p.Glu690Asp). This variant is not present in population databases (gnomAD no frequency). This variant has not been reported in the literature in individuals affected with DHX38-related conditions. ClinVar contains an entry for this variant (Variation ID: 1491436). Invitae Evidence Modeling of protein sequence and biophysical properties (such as structural, functional, and spatial information, amino acid conservation, physicochemical variation, residue mobility, and thermodynamic stability) indicates that this missense variant is not expected to disrupt DHX38 protein function with a negative predictive value of 80%. In summary, the available evidence is currently insufficient to determine the role of this variant in disease. Therefore, it has been classified as a Variant of Uncertain Significance.